The following is an entry in ClinVar:

ClinVar aggregate classification (germline): Uncertain significance (1 of 4 stars; one submission).

Conditions:
Duchenne muscular dystrophy (DMD). Also called: MUSCULAR DYSTROPHY, PSEUDOHYPERTROPHIC PROGRESSIVE, DUCHENNE TYPE; Duchenne Muscular Dystrophy (DMD). Identifiers: Orphanet 98896, MedGen C0013264, MONDO:0010679, OMIM 310200.

Submission:

Labcorp Genetics (formerly Invitae), Labcorp
Classification: Uncertain significance for Duchenne muscular dystrophy. Last evaluated: 2020-01-31. Review status: criteria provided, single submitter. Criteria: Invitae Variant Classification Sherloc (09022015). Collection method: clinical testing. Allele origin: germline.
Comment: This variant has not been reported in the literature in individuals with DMD-related conditions. This variant is not present in population databases (ExAC no frequency). This sequence change replaces glutamic acid with aspartic acid at codon 1023 of the DMD protein (p.Glu1023Asp). The glutamic acid residue is highly conserved and there is a small physicochemical difference between glutamic acid and aspartic acid. Algorithms developed to predict the effect of missense changes on protein structure and function (SIFT, PolyPhen-2, Align-GVGD) all suggest that this variant is likely to be disruptive, but these predictions have not been confirmed by published functional studies and their clinical significance is uncertain. In summary, the available evidence is currently insufficient to determine the role of this variant in disease. Therefore, it has been classified as a Variant of Uncertain Significance.

NM_004006.3(DMD):c.3069A>C (p.Glu1023Asp)

Gene: DMD (dystrophin; minus strand). Cytogenetic location: Xp21.1.
Variant type: single nucleotide variant.
Coding change: c.3069A>C on transcript NM_004006.3 (MANE Select); coding-DNA position 3069, A replaced by C.
Protein change: p.Glu1023Asp; replaces glutamic acid 1023 with aspartic acid.
Molecular consequence: missense variant.
Genome position (GRCh38, 1-based): chrX:32,468,591, T>G on the plus strand (A>C on the coding strand, the complement: DMD is on the minus strand). VCF-style: chrX-32468591-T-G. GRCh37 (hg19) VCF-style: chrX-32486708-T-G.
Other names: c.3045A>C, p.Glu1015Asp (NM_000109.4); c.3057A>C, p.Glu1019Asp (NM_004009.3); c.2700A>C, p.Glu900Asp (NM_004010.3); short protein forms E1015D, E1019D, E1023D, E900D.
Identifiers: ClinVar variation 1012103 (VCV001012103.10), dbSNP rs2040297014, ClinGen allele CA412666934.